The following is an entry in ClinVar:

ClinVar aggregate classification (germline): Conflicting classifications of pathogenicity. Review status: criteria provided, conflicting classifications (1 of 4 stars). 2 submissions from 2 submitters: Uncertain significance (1); Likely benign (1). Last evaluated 2022-12-25.

Conditions:
Long QT syndrome (LQTS). Identifiers: MedGen C0023976, MeSH D008133, MONDO:0002442. Disease mechanism: loss of function. Inheritance: Various modes of inheritance.
Cardiovascular phenotype. Identifiers: MedGen CN230736.

Allele frequency attached by ClinVar (database versions not stated): TOPMed 0.00002.

Submissions (2):

Labcorp Genetics (formerly Invitae), Labcorp
Classification: Uncertain significance for Long QT syndrome. Last evaluated: 2022-12-25. Review status: criteria provided, single submitter. Criteria: Invitae Variant Classification Sherloc (09022015). Collection method: clinical testing. Allele origin: germline.
Comment: This sequence change replaces proline, which is neutral and non-polar, with threonine, which is neutral and polar, at codon 1811 of the ANK2 protein (p.Pro1811Thr). This variant is present in population databases (rs200645469, gnomAD 0.003%). This variant has not been reported in the literature in individuals affected with ANK2-related conditions. ClinVar contains an entry for this variant (Variation ID: 1017362). Algorithms developed to predict the effect of missense changes on protein structure and function (SIFT, PolyPhen-2, Align-GVGD) all suggest that this variant is likely to be tolerated. In summary, the available evidence is currently insufficient to determine the role of this variant in disease. Therefore, it has been classified as a Variant of Uncertain Significance.

Ambry Genetics
Classification: Likely benign for Cardiovascular phenotype. Last evaluated: 2021-11-16. Review status: criteria provided, single submitter. Criteria: Ambry Variant Classification Scheme 2023. Collection method: clinical testing. Allele origin: germline.

NM_001148.6(ANK2):c.5431C>A (p.Pro1811Thr)

Genes: ANK2 (ankyrin 2; plus strand), LOC126807136 (MED14-independent group 3 enhancer GRCh37_chr4:114274931-114276130; plus strand). Cytogenetic location: 4q26.
Variant type: single nucleotide variant.
Coding change: c.5431C>A on transcript NM_001148.6 (MANE Select); coding-DNA position 5431, C replaced by A.
Protein change: p.Pro1811Thr; replaces proline 1811 with threonine.
Molecular consequence: missense variant. On other transcripts: intron variant (68).
Genome position (GRCh38, 1-based): chr4:113,354,049, C>A. VCF-style: chr4-113354049-C-A. GRCh37 (hg19) VCF-style: chr4-114275205-C-A.
Other names: c.5197C>A, p.Pro1733Thr (NM_001386142.1); c.1831C>A, p.Pro611Thr (NM_001386166.1); c.5572C>A, p.Pro1858Thr (NM_001386174.1); c.5548C>A, p.Pro1850Thr (NM_001386175.1); c.4411+3800C>A (NM_001386186.2, NM_001386148.2); c.4213+3800C>A (NM_001354269.3); c.4291+3800C>A (NM_001386187.2); c.4252+3800C>A (NM_001386147.1); and 35 more; short protein forms P1733T, P1811T, P1850T, P1858T, P611T.
Identifiers: ClinVar variation 1017362 (VCV001017362.7), dbSNP rs200645469, ClinGen allele CA3051224.